The following is an entry in ClinVar:

ClinVar aggregate classification (germline): Benign/Likely benign. Review status: criteria provided, multiple submitters, no conflicts (2 of 4 stars). 2 submissions from 2 submitters: Benign (1); Likely benign (1). Last evaluated 2019-05-24.

Conditions:
Epilepsy, idiopathic generalized, susceptibility to, 13. Also called: EPILEPSY, JUVENILE MYOCLONIC, SUSCEPTIBILITY TO, 5. Identifiers: Orphanet 307, Orphanet 64280, MedGen C4013473, MONDO:0012627, OMIM 611136.

Allele frequency attached by ClinVar (database versions not stated): gnomAD exomes 0.00382; gnomAD 0.01834 and 0.01969; 1000 Genomes Project 0.01997; TOPMed 0.02188; 1000 Genomes Project 30x 0.02217.
gnomAD v4.1: 2,798 of 152,466 alleles (1.8%); highest among the groups gnomAD compares: African/African-American, 5.4%; 74 homozygotes.

Submissions (2):

GeneDx
Classification: Benign. Last evaluated: 2019-05-24. Review status: criteria provided, single submitter. Criteria: GeneDx Variant Classification Process June 2021. Collection method: clinical testing. Allele origin: germline. Affected: yes.

Illumina Laboratory Services, Illumina
Classification: Likely benign for Epilepsy, idiopathic generalized, susceptibility to, 13. Last evaluated: 2018-01-12. Review status: criteria provided, single submitter. Criteria: ICSL Variant Classification Criteria 13 December 2019. Collection method: clinical testing. Allele origin: germline.
Comment: This variant was observed in the ICSL laboratory as part of a predisposition screen in an ostensibly healthy population. It had not been previously curated by ICSL or reported in the Human Gene Mutation Database (HGMD: prior to June 1st, 2018), and was therefore a candidate for classification through an automated scoring system. Utilizing variant allele frequency, disease prevalence and penetrance estimates, and inheritance mode, an automated score was calculated to assess if this variant is too frequent to cause the disease. Based on the score and internal cut-off values, a variant classified as likely benign is not then subjected to further curation. The score for this variant resulted in a classification of likely benign for this disease.

NM_001127644.2(GABRA1):c.-53C>A

Gene: GABRA1 (gamma-aminobutyric acid type A receptor subunit alpha1; plus strand). Cytogenetic location: 5q34.
Variant type: single nucleotide variant.
Coding change: c.-53C>A on transcript NM_001127644.2 (MANE Select); 53 bases upstream of the start codon, C replaced by A.
Molecular consequence: 5 prime UTR variant.
Genome position (GRCh38, 1-based): chr5:161,848,385, C>A. VCF-style: chr5-161848385-C-A. GRCh37 (hg19) VCF-style: chr5-161275391-C-A.
Other names: c.-53C>A (NM_000806.5, NM_001127643.2).
Identifiers: ClinVar variation 904956 (VCV000904956.7), dbSNP rs75583203, ClinGen allele CA131081762.
Genomic context (GRCh38, chr5:161,848,385, plus strand): 5'-CGGACTCGCAGACTCGCGCTGGCTCCAGTCTCTCCACGATTCTCTCTCCCAGACTTTTCC[C>A]CGGTCTTAAGAGATCCTGTGTCCAGAGGGGGCCTTAGGTAAGTGCGACTTTGGACCACGA-3'